The following is an entry in ClinVar:

NM_000143.4(FH):c.478A>G (p.Arg160Gly)

Gene: FH (fumarate hydratase; minus strand). Cytogenetic location: 1q43.
Variant type: single nucleotide variant.
Coding change: c.478A>G on transcript NM_000143.4 (MANE Select); coding-DNA position 478, A replaced by G.
Protein change: p.Arg160Gly; replaces arginine 160 with glycine.
Molecular consequence: missense variant.
Genome position (GRCh38, 1-based): chr1:241,512,044, T>C on the plus strand (A>G on the coding strand, the complement: FH is on the minus strand). VCF-style: chr1-241512044-T-C. GRCh37 (hg19) VCF-style: chr1-241675344-T-C.
Other names: short protein forms R160G.
Identifiers: ClinVar variation 237116 (VCV000237116.18), dbSNP rs878853694, ClinGen allele CA10581784.

ClinVar aggregate classification (germline): Pathogenic. Review status: criteria provided, multiple submitters, no conflicts (2 of 4 stars). 2 submissions from 2 submitters: Pathogenic (2). Last evaluated 2026-01-31.

Conditions:
Hereditary cancer-predisposing syndrome. Also called: Hereditary neoplastic syndrome; Hereditary Cancer Syndrome; Neoplastic Syndromes, Hereditary; Tumor predisposition. Identifiers: Orphanet 140162, MedGen C0027672, MeSH D009386, MONDO:0015356.

Allele frequency attached by ClinVar (database versions not stated): gnomAD exomes below 0.00001.
gnomAD v4.1: 1 of 1,613,996 alleles (0.000062%); highest among the groups gnomAD compares: Non-Finnish European, 0.000085%; no homozygotes.

Submissions (2):

Labcorp Genetics (formerly Invitae), Labcorp
Classification: Pathogenic. Last evaluated: 2026-01-31. Review status: criteria provided, single submitter. Criteria: Invitae Variant Classification Sherloc (09022015). Collection method: clinical testing. Allele origin: germline.
Comment: This sequence change replaces arginine, which is basic and polar, with glycine, which is neutral and non-polar, at codon 160 of the FH protein (p.Arg160Gly). This variant is not present in population databases (gnomAD no frequency). This missense change has been observed in individuals with hereditary leiomyomatosis (PMID: 15937070; internal data). It has also been observed to segregate with disease in related individuals. This variant is also known as 349A>G (R117G). ClinVar contains an entry for this variant (Variation ID: 237116). Invitae Evidence Modeling of protein sequence and biophysical properties (such as structural, functional, and spatial information, amino acid conservation, physicochemical variation, residue mobility, and thermodynamic stability) indicates that this missense variant is expected to disrupt FH protein function with a positive predictive value of 95%. For these reasons, this variant has been classified as Pathogenic.

Ambry Genetics
Classification: Pathogenic for Hereditary cancer-predisposing syndrome. Last evaluated: 2023-11-16. Review status: criteria provided, single submitter. Criteria: Ambry Variant Classification Scheme 2023. Collection method: clinical testing. Allele origin: germline.
Comment: The p.R160G pathogenic mutation (also known as c.478A>G), located in coding exon 4 of the FH gene, results from an A to G substitution at nucleotide position 478. The arginine at codon 160 is replaced by glycine, an amino acid with dissimilar properties. This alteration, sometimes designated as c.349A>G in the literature, has been identified in individuals with a personal and/or family history that is consistent with FH-related disease (Ambry internal data; Wei MH et al. J. Med. Genet., 2006 Jan;43:18-27; Picaud S et al. J. Inherit. Metab. Dis., 2011 Jun;34:671-6; Scharnitz T, et al. Am J Cancer Res 2023 Jan;13(1):236-244). This amino acid position is highly conserved in available vertebrate species. In addition, this alteration is predicted to be deleterious by in silico analysis. This variant is considered to be rare based on population cohorts in the Genome Aggregation Database (gnomAD). Based on the supporting evidence, this alteration is interpreted as a disease-causing mutation.

Literature cited by the submitters: PubMed 15937070 (cited by Labcorp Genetics (formerly Invitae), Labcorp and Ambry Genetics); PubMed 21445611 (cited by Ambry Genetics); PubMed 36777509 (cited by Ambry Genetics).